The following is an entry in ClinVar:

ClinVar aggregate classification (germline): Uncertain significance. Review status: criteria provided, multiple submitters, no conflicts (2 of 4 stars). 2 submissions from 2 submitters: Uncertain significance (2). Last evaluated 2024-04-05.

Conditions:
Renal hypomagnesemia 5 with ocular involvement. Also called: FHHNC WITH SEVERE OCULAR INVOLVEMENT; HYPOMAGNESEMIA, FAMILIAL, WITH HYPERCALCIURIA, NEPHROCALCINOSIS, AND SEVERE OCULAR INVOLVEMENT; MACULAR COLOBOMA, BILATERAL, WITH HYPERCALCIURIA; HYPOMAGNESEMIA 5, RENAL, WITH OR WITHOUT OCULAR INVOLVEMENT. Identifiers: Orphanet 2196, MedGen C4721891, MONDO:0009548, OMIM 248190.

Allele frequency attached by ClinVar (database versions not stated): gnomAD exomes 0.00002; ExAC 0.00003; gnomAD 0.00003 and 0.00004; TOPMed 0.00004.
gnomAD v4.1: 34 of 1,580,138 alleles (0.0022%); highest among the groups gnomAD compares: Admixed American, 0.0073%; no homozygotes.

Submissions (2):

Labcorp Genetics (formerly Invitae), Labcorp
Classification: Uncertain significance. Last evaluated: 2024-04-05. Review status: criteria provided, single submitter. Criteria: Invitae Variant Classification Sherloc (09022015). Collection method: clinical testing. Allele origin: germline.
Comment: This sequence change replaces asparagine, which is neutral and polar, with lysine, which is basic and polar, at codon 193 of the CLDN19 protein (p.Asn193Lys). This variant is present in population databases (rs758094656, gnomAD 0.007%). This variant has not been reported in the literature in individuals affected with CLDN19-related conditions. ClinVar contains an entry for this variant (Variation ID: 1399936). An algorithm developed to predict the effect of missense changes on protein structure and function (PolyPhen-2) suggests that this variant is likely to be tolerated. In summary, the available evidence is currently insufficient to determine the role of this variant in disease. Therefore, it has been classified as a Variant of Uncertain Significance.

Fulgent Genetics
Classification: Uncertain significance for Renal hypomagnesemia 5 with ocular involvement. Last evaluated: 2024-01-22. Review status: criteria provided, single submitter. Criteria: ACMG Guidelines, 2015. Collection method: clinical testing. Allele origin: germline.

NM_148960.3(CLDN19):c.579C>G (p.Asn193Lys)

Gene: CLDN19 (claudin 19; minus strand). Cytogenetic location: 1p34.2.
Variant type: single nucleotide variant.
Coding change: c.579C>G on transcript NM_148960.3 (MANE Select); coding-DNA position 579, C replaced by G.
Protein change: p.Asn193Lys; replaces asparagine 193 with lysine.
Molecular consequence: missense variant.
Genome position (GRCh38, 1-based): chr1:42,735,925, G>C on the plus strand (C>G on the coding strand, the complement: CLDN19 is on the minus strand). VCF-style: chr1-42735925-G-C. GRCh37 (hg19) VCF-style: chr1-43201596-G-C.
Other names: c.579C>G, p.Asn193Lys (NM_001123395.2); c.494C>G, p.Thr165Arg (NM_001185117.2); short protein forms N193K, T165R.
Identifiers: ClinVar variation 1399936 (VCV001399936.9), dbSNP rs758094656, ClinGen allele CA801341.
Genomic context (GRCh38, chr1:42,735,925, plus strand): 5'-AGCTCAGACGTACTCTCGGGCAGCAGCAGAGGGTCCAGGCCGATAGGGCTGTGGGCTGCT[G>C]TTGGGTCTCTCTGGCTCCGGGCATGTGCAGCAGAGGAAGGAGCCGCCCAGCACGGCCAGG-3'
Protein context (NP_683763.2, residues 183-203): CCTCPEPERP[Asn193Lys]SSPQPYRPGP